The following is an entry in ClinVar:

ClinVar aggregate classification (germline): Uncertain significance (1 of 4 stars; one submission).

Conditions:
Ataxia-telangiectasia syndrome (AT). Also called: LOUIS-BAR SYNDROME; Cerebello-oculocutaneous telangiectasia; Immunodeficiency with ataxia telangiectasia; Ataxia telangiectasia (A-T); Ataxia-telangiectasia, complementation group D; AT, COMPLEMENTATION GROUP C. Identifiers: Orphanet 100, MedGen C0004135, MONDO:0008840, OMIM 208900.

Submission:

Labcorp Genetics (formerly Invitae), Labcorp
Classification: Uncertain significance for Ataxia-telangiectasia syndrome. Last evaluated: 2021-02-25. Review status: criteria provided, single submitter. Criteria: Invitae Variant Classification Sherloc (09022015). Collection method: clinical testing. Allele origin: germline.
Comment: This variant has not been reported in the literature in individuals with ATM-related conditions. This variant is not present in population databases (ExAC no frequency). This sequence change replaces leucine with serine at codon 2345 of the ATM protein (p.Leu2345Ser). The leucine residue is highly conserved and there is a large physicochemical difference between leucine and serine. Advanced modeling of protein sequence and biophysical properties (such as structural, functional, and spatial information, amino acid conservation, physicochemical variation, residue mobility, and thermodynamic stability) performed at Invitae indicates that this missense variant is expected to disrupt ATM protein function. In summary, the available evidence is currently insufficient to determine the role of this variant in disease. Therefore, it has been classified as a Variant of Uncertain Significance.

NM_000051.4(ATM):c.7034T>C (p.Leu2345Ser)

Genes: ATM (ATM serine/threonine kinase; plus strand), C11orf65 (chromosome 11 open reading frame 65; minus strand). Cytogenetic location: 11q22.3.
Variant type: single nucleotide variant.
Coding change: c.7034T>C on transcript NM_000051.4 (MANE Select); coding-DNA position 7034, T replaced by C.
Protein change: p.Leu2345Ser; replaces leucine 2345 with serine.
Molecular consequence: missense variant. On other transcripts: intron variant (2).
Genome position (GRCh38, 1-based): chr11:108,327,703, T>C. VCF-style: chr11-108327703-T-C. GRCh37 (hg19) VCF-style: chr11-108198430-T-C.
Other names: c.7034T>C, p.Leu2345Ser (NM_001351834.2); c.641-18632A>G (NM_001330368.2); c.*38+7517A>G (NM_001351110.2); short protein forms L2345S.
Identifiers: ClinVar variation 1513356 (VCV001513356.8), dbSNP rs2136376523, ClinGen allele CA382558859.